The following is an entry in ClinVar:

NM_001367624.2(ZNF469):c.6698T>C (p.Val2233Ala)

Gene: ZNF469 (zinc finger protein 469; plus strand). Cytogenetic location: 16q24.2.
Variant type: single nucleotide variant.
Coding change: c.6698T>C on transcript NM_001367624.2 (MANE Select); coding-DNA position 6698, T replaced by C.
Protein change: p.Val2233Ala; replaces valine 2233 with alanine.
Molecular consequence: missense variant.
Genome position (GRCh38, 1-based): chr16:88,434,168, T>C. VCF-style: chr16-88434168-T-C. GRCh37 (hg19) VCF-style: chr16-88500576-T-C.
Other names: NM_001127464.1:c.6614T>C; short protein forms V2233A.
Identifiers: ClinVar variation 1754484 (VCV001754484.2), dbSNP rs761793209, ClinGen allele CA397106542.

ClinVar aggregate classification (germline): Uncertain significance (1 of 4 stars; one submission).

Conditions:
Cardiovascular phenotype. Identifiers: MedGen CN230736.

Submission:

Ambry Genetics
Classification: Uncertain significance for Cardiovascular phenotype. Last evaluated: 2020-08-14. Review status: criteria provided, single submitter. Criteria: Ambry Variant Classification Scheme 2023. Collection method: clinical testing. Allele origin: germline.
Comment: The p.V2205A variant (also known as c.6614T>C), located in coding exon 2 of the ZNF469 gene, results from a T to C substitution at nucleotide position 6614. The valine at codon 2205 is replaced by alanine, an amino acid with similar properties. This amino acid position is poorly conserved in available vertebrate species. In addition, this alteration is predicted to be tolerated by in silico analysis. Since supporting evidence is limited at this time, the clinical significance of this alteration remains unclear.